The following is an entry in ClinVar:

ClinVar aggregate classification (germline): Pathogenic (1 of 4 stars; one submission).

Conditions:
Congenital myotonia, autosomal dominant form (THD). Also called: THOMSEN DISEASE; Myotonia congenita autosomal dominant. Identifiers: Orphanet 614, MedGen C2936781, MONDO:0008055, OMIM 160800.
Congenital myotonia, autosomal recessive form. Also called: BECKER DISEASE; Becker Generalized Myotonia; myotonia congenita, autosomal recessive. Identifiers: Orphanet 614, MedGen C0751360, MONDO:0009715, OMIM 255700.

Submission:

Labcorp Genetics (formerly Invitae), Labcorp
Classification: Pathogenic for Congenital myotonia, autosomal recessive form; Congenital myotonia, autosomal dominant form. Last evaluated: 2023-09-06. Review status: criteria provided, single submitter. Criteria: Invitae Variant Classification Sherloc (09022015). Collection method: clinical testing. Allele origin: germline.
Comment: For these reasons, this variant has been classified as Pathogenic. This variant is also known as p.V616VfsX31 (c.1847delT). This premature translational stop signal has been observed in individual(s) with myotonia congenita (PMID: 23739125). This variant is not present in population databases (gnomAD no frequency). This sequence change creates a premature translational stop signal (p.Ser617Glnfs*30) in the CLCN1 gene. It is expected to result in an absent or disrupted protein product. Loss-of-function variants in CLCN1 are known to be pathogenic (PMID: 17932099, 22094069, 23739125).

Literature cited by the submitters: PubMed 23739125; PubMed 17932099; PubMed 22094069.

NM_000083.3(CLCN1):c.1849del (p.Ser617fs)

Gene: CLCN1 (chloride voltage-gated channel 1; plus strand). Cytogenetic location: 7q34.
Variant type: Deletion.
Coding change: c.1849del on transcript NM_000083.3 (MANE Select); coding-DNA position 1849, one base deleted (T; older notation c.1849delT).
Protein change: p.Ser617fs; shifts the reading frame from serine 617.
Molecular consequence: frameshift variant. On other transcripts: non-coding transcript variant (1).
Genome position (GRCh38, 1-based): chr7:143,342,424, T deleted; the last of 3 consecutive T bases (chr7:143,342,422-143,342,424); deleting any one gives the same sequence. VCF-style (leftmost placement, unchanged base first): chr7-143342421-GT-G. GRCh37 (hg19) VCF-style: chr7-143039514-GT-G.
Other names: short protein forms S617fs.
Identifiers: ClinVar variation 2925428 (VCV002925428.3), dbSNP rs1803105951, ClinGen allele CA1108128710.